The following is an entry in ClinVar:

ClinVar aggregate classification (germline): Likely benign. Review status: criteria provided, multiple submitters, no conflicts (2 of 4 stars). 2 submissions from 2 submitters: Likely benign (2). Last evaluated 2024-01-01.

Allele frequency attached by ClinVar (database versions not stated): gnomAD exomes below 0.00001.
gnomAD v4.1: 4 of 1,613,868 alleles (0.00025%); highest among the groups gnomAD compares: Middle Eastern, 0.049%; no homozygotes.

Submissions (2):

CeGaT Center for Human Genetics Tuebingen
Classification: Likely benign. Last evaluated: 2024-01-01. Review status: criteria provided, single submitter. Criteria: CeGaT Center For Human Genetics Tuebingen Variant Classification Criteria Version 2. Collection method: clinical testing. Allele origin: germline. Affected: yes. Observed: 1 variant allele.
Comment: SCO2: PM2:Supporting, BP4, BP7

Labcorp Genetics (formerly Invitae), Labcorp
Classification: Likely benign. Last evaluated: 2023-12-06. Review status: criteria provided, single submitter. Criteria: Invitae Variant Classification Sherloc (09022015). Collection method: clinical testing. Allele origin: germline.

NM_005138.3(SCO2):c.522T>C (p.Val174=)

Genes: NCAPH2 (non-SMC condensin II complex subunit H2; plus strand), SCO2 (synthesis of cytochrome C oxidase 2; minus strand). Cytogenetic location: 22q13.33.
Variant type: single nucleotide variant.
Coding change: c.522T>C on transcript NM_005138.3 (MANE Select); coding-DNA position 522, T replaced by C.
Protein change: p.Val174=; no amino-acid change (valine 174 retained).
Molecular consequence: synonymous variant. On other transcripts: 3 prime UTR variant (2).
Genome position (GRCh38, 1-based): chr22:50,523,890, A>G on the plus strand (T>C on the coding strand, the complement: SCO2 is on the minus strand). VCF-style: chr22-50523890-A-G. GRCh37 (hg19) VCF-style: chr22-50962319-A-G.
Other names: c.*515A>G (NM_001185011.2, NM_152299.4); c.522T>C, p.Val174= (NM_001169109.2, NM_001169110.1, NM_001169111.2).
Identifiers: ClinVar variation 1905868 (VCV001905868.27), dbSNP rs1603441649, ClinGen allele CA515387291.